The following is an entry in ClinVar:

NM_001267550.2(TTN):c.52681C>A (p.Pro17561Thr)

Genes: TTN (titin; minus strand), TTN-AS1 (TTN antisense RNA 1; plus strand), LOC126806425 (BRD4-independent group 4 enhancer GRCh37_chr2:179471933-179473132; plus strand). Cytogenetic location: 2q31.2.
Variant type: single nucleotide variant.
Coding change: c.52681C>A on transcript NM_001267550.2 (MANE Select); coding-DNA position 52681, C replaced by A.
Protein change: p.Pro17561Thr; replaces proline 17561 with threonine.
Molecular consequence: missense variant. On other transcripts: non-coding transcript variant (1).
Genome position (GRCh38, 1-based): chr2:178,608,202, G>T on the plus strand (C>A on the coding strand, the complement: TTN is on the minus strand). VCF-style: chr2-178608202-G-T. GRCh37 (hg19) VCF-style: chr2-179472929-G-T.
Other names: c.44977C>A, p.Pro14993Thr (NM_133378.4); c.47758C>A, p.Pro15920Thr (NM_001256850.1); c.25486C>A, p.Pro8496Thr (NM_003319.4); c.25861C>A, p.Pro8621Thr (NM_133432.3); c.26062C>A, p.Pro8688Thr (NM_133437.4); short protein forms P14993T, P17561T, P8496T, P15920T, P8621T, P8688T.
Identifiers: ClinVar variation 165993 (VCV000165993.5), dbSNP rs727503612, ClinGen allele CA178779.

ClinVar aggregate classification (germline): Uncertain significance (1 of 4 stars; one submission).

Submission:

Laboratory for Molecular Medicine, Mass General Brigham Personalized Medicine
Classification: Uncertain significance. Last evaluated: 2013-07-08. Review status: criteria provided, single submitter. Criteria: LMM Criteria. Collection method: clinical testing. Allele origin: germline. Observed: 1 variant allele.
Comment: The Pro14993Thr variant in TTN has not been reported in individuals with cardiom yopathy or in large population studies. Computational analyses (biochemical amin o acid properties, conservation, AlignGVGD, PolyPhen2, and SIFT) do not provide strong support for or against an impact to the protein. Additional information i s needed to fully assess the clinical significance of the Pro14993Thr variant.